The following is an entry in ClinVar:

ClinVar aggregate classification (germline): Uncertain significance (1 of 4 stars; one submission).

Submission:

GeneDx
Classification: Uncertain significance. Last evaluated: 2023-03-17. Review status: criteria provided, single submitter. Criteria: GeneDx Variant Classification Process June 2021. Collection method: clinical testing. Allele origin: germline. Affected: yes.
Comment: Not observed at significant frequency in large population cohorts (gnomAD); In silico analysis supports that this missense variant does not alter protein structure/function; Has not been previously published as pathogenic or benign to our knowledge

NM_002547.3(OPHN1):c.1829G>C (p.Ser610Thr)

Gene: OPHN1 (oligophrenin 1; minus strand). Cytogenetic location: Xq12.
Variant type: single nucleotide variant.
Coding change: c.1829G>C on transcript NM_002547.3 (MANE Select); coding-DNA position 1829, G replaced by C.
Protein change: p.Ser610Thr; replaces serine 610 with threonine.
Molecular consequence: missense variant.
Genome position (GRCh38, 1-based): chrX:68,073,157, C>G on the plus strand (G>C on the coding strand, the complement: OPHN1 is on the minus strand). VCF-style: chrX-68073157-C-G. GRCh37 (hg19) VCF-style: chrX-67292999-C-G.
Other names: short protein forms S610T.
Identifiers: ClinVar variation 2580085 (VCV002580085.1), dbSNP rs2519645335, ClinGen allele CA413431231.